The following is an entry in ClinVar:

NM_080680.3(COL11A2):c.1957del (p.Thr653fs)

Gene: COL11A2 (collagen type XI alpha 2 chain; minus strand). Cytogenetic location: 6p21.32.
Variant type: Deletion.
Coding change: c.1957del on transcript NM_080680.3 (MANE Select); coding-DNA position 1957, one base deleted (A; older notation c.1957delA).
Protein change: p.Thr653fs; shifts the reading frame from threonine 653.
Molecular consequence: frameshift variant.
Genome position (GRCh38, 1-based): chr6:33,177,426, T deleted on the plus strand (A on the coding strand, the reverse complement: COL11A2 is on the minus strand). VCF-style (leftmost placement, unchanged base first): chr6-33177425-GT-G. GRCh37 (hg19) VCF-style: chr6-33145202-GT-G.
Other names: c.1636del, p.Thr546fs (NM_080679.3); c.1699del, p.Thr567fs (NM_080681.3); short protein forms T653fs, T546fs, T567fs.
Identifiers: ClinVar variation 1379760 (VCV001379760.6), dbSNP rs2150572816, ClinGen allele CA2573140229.

ClinVar aggregate classification (germline): Pathogenic (1 of 4 stars; one submission).

Submission:

Labcorp Genetics (formerly Invitae), Labcorp
Classification: Pathogenic. Last evaluated: 2021-08-31. Review status: criteria provided, single submitter. Criteria: Invitae Variant Classification Sherloc (09022015). Collection method: clinical testing. Allele origin: germline.
Comment: This variant is not present in population databases (ExAC no frequency). For these reasons, this variant has been classified as Pathogenic. This variant has not been reported in the literature in individuals affected with COL11A2-related conditions. This sequence change creates a premature translational stop signal (p.Thr653Profs*62) in the COL11A2 gene. It is expected to result in an absent or disrupted protein product. Loss-of-function variants in COL11A2 are known to be pathogenic (PMID: 10677296, 21204229).

Literature cited by the submitters: PubMed 10677296; PubMed 21204229.